The following is an entry in ClinVar:

NM_024426.6(WT1):c.449G>T (p.Ser150Ile)

Genes: WT1 (WT1 transcription factor; minus strand), LOC107982234 (WT1/WT1-AS bi-directional promoter region; plus strand). Cytogenetic location: 11p13.
Variant type: single nucleotide variant.
Coding change: c.449G>T on transcript NM_024426.6 (MANE Select); coding-DNA position 449, G replaced by T.
Protein change: p.Ser150Ile; replaces serine 150 with isoleucine.
Molecular consequence: missense variant. On other transcripts: non-coding transcript variant (2).
Genome position (GRCh38, 1-based): chr11:32,434,912, C>A on the plus strand (G>T on the coding strand, the complement: WT1 is on the minus strand). VCF-style: chr11-32434912-C-A. GRCh37 (hg19) VCF-style: chr11-32456458-C-A.
Other names: c.449G>T, p.Ser150Ile (NM_000378.6, NM_001407044.1, NM_001407045.1 and 6 more transcripts); c.434G>T, p.Ser145Ile (NM_024425.2); c.434G>T (NM_024426.4); short protein forms S150I, S145I.
Identifiers: ClinVar variation 2942040 (VCV002942040.4), dbSNP rs1853447426, ClinGen allele CA379965060.
Genomic context (GRCh38, chr11:32,434,912, plus strand): 5'-GAAAAGTGGACAGTGAAGGCGCTCAGGCACTGCTCCTCGTGCGGCTCCGCGCCGCCCCAG[C>A]TCGGCTCCTGTTTGATGAAGGAGTGAGGCGGCGGCGGCGGGGGTGGCGGCGGAGCCGGTG-3'
Protein context (NP_077744.4, residues 140-160): PPHSFIKQEP[Ser150Ile]WGGAEPHEEQ

ClinVar aggregate classification (germline): Uncertain significance. Review status: criteria provided, multiple submitters, no conflicts (2 of 4 stars). 2 submissions from 2 submitters: Uncertain significance (2). Last evaluated 2025-09-10.

Conditions:
Inborn genetic diseases. Identifiers: MedGen C0950123, MeSH D030342.
Frasier syndrome. Identifiers: Orphanet 347, MedGen C0950122, MeSH D052159, MONDO:0007635, OMIM 136680.
Drash syndrome (DDS). Also called: NEPHROPATHY, WILMS TUMOR, AND GENITAL ANOMALIES; WILMS TUMOR AND PSEUDO- OR TRUE HERMAPHRODITISM. Identifiers: Orphanet 220, MedGen C0950121, MONDO:0008682, OMIM 194080.
Wilms tumor 1 (WT1). Also called: Wilms tumor, somatic. Identifiers: Orphanet 654, MedGen CN033288, MONDO:0008679, OMIM 194070.
11p partial monosomy syndrome (WAGR). Also called: CHROMOSOME 11p13 DELETION SYNDROME; WAGR syndrome; WAGR Complex; WAGR Spectrum Disorder. Identifiers: Orphanet 893, MedGen C0206115, MONDO:0008681, OMIM 194072.

Submissions (2):

Ambry Genetics
Classification: Uncertain significance for Inborn genetic diseases. Last evaluated: 2025-09-10. Review status: criteria provided, single submitter. Criteria: Ambry Variant Classification Scheme 2023. Collection method: clinical testing. Allele origin: germline.
Comment: The p.S145I variant (also known as c.434G>T), located in coding exon 1 of the WT1 gene, results from a G to T substitution at nucleotide position 434. The serine at codon 145 is replaced by isoleucine, an amino acid with dissimilar properties. This amino acid position is conserved. In addition, this alteration is predicted to be tolerated by in silico analysis. Based on the available evidence, the clinical significance of this variant remains unclear.

Labcorp Genetics (formerly Invitae), Labcorp
Classification: Uncertain significance for Wilms tumor 1; Drash syndrome; 11p partial monosomy syndrome; Frasier syndrome. Last evaluated: 2022-12-03. Review status: criteria provided, single submitter. Criteria: Invitae Variant Classification Sherloc (09022015). Collection method: clinical testing. Allele origin: germline.
Comment: In summary, the available evidence is currently insufficient to determine the role of this variant in disease. Therefore, it has been classified as a Variant of Uncertain Significance. Algorithms developed to predict the effect of missense changes on protein structure and function are either unavailable or do not agree on the potential impact of this missense change (SIFT: "Deleterious"; PolyPhen-2: "Benign"; Align-GVGD: "Class C65"). This variant has not been reported in the literature in individuals affected with WT1-related conditions. This variant is not present in population databases (gnomAD no frequency). This sequence change replaces serine, which is neutral and polar, with isoleucine, which is neutral and non-polar, at codon 145 of the WT1 protein (p.Ser145Ile).